The following is an entry in ClinVar:

ClinVar aggregate classification (germline): Uncertain significance (1 of 4 stars; one submission).

Submission:

GeneDx
Classification: Uncertain significance. Last evaluated: 2024-07-01. Review status: criteria provided, single submitter. Criteria: GeneDx Variant Classification Process June 2021. Collection method: clinical testing. Allele origin: germline. Affected: yes.
Comment: Not observed at significant frequency in large population cohorts (gnomAD); In silico analysis supports that this missense variant has a deleterious effect on protein structure/function; Has not been previously published as pathogenic or benign to our knowledge

NM_001372123.1(IKZF5):c.395A>G (p.His132Arg)

Gene: IKZF5 (IKAROS family zinc finger 5; minus strand). Cytogenetic location: 10q26.13.
Variant type: single nucleotide variant.
Coding change: c.395A>G on transcript NM_001372123.1 (MANE Select); coding-DNA position 395, A replaced by G.
Protein change: p.His132Arg; replaces histidine 132 with arginine.
Molecular consequence: missense variant.
Genome position (GRCh38, 1-based): chr10:122,994,645, T>C on the plus strand (A>G on the coding strand, the complement: IKZF5 is on the minus strand). VCF-style: chr10-122994645-T-C. GRCh37 (hg19) VCF-style: chr10-124754161-T-C.
Other names: c.395A>G, p.His132Arg (NM_001271840.1, NM_001372125.1, NM_001372126.1 and 2 more transcripts); c.191A>G, p.His64Arg (NM_001372124.1, NM_001372129.1, NM_001372130.1 and 1 more transcripts); short protein forms H132R, H64R.
Identifiers: ClinVar variation 3393621 (VCV003393621.1).